The following is an entry in ClinVar:

NM_022041.4(GAN):c.1593T>G (p.Val531=)

Gene: GAN (gigaxonin; plus strand). Cytogenetic location: 16q23.2.
Variant type: single nucleotide variant.
Coding change: c.1593T>G on transcript NM_022041.4 (MANE Select); coding-DNA position 1593, T replaced by G.
Protein change: p.Val531=; no amino-acid change (valine 531 retained).
Molecular consequence: synonymous variant.
Genome position (GRCh38, 1-based): chr16:81,377,309, T>G. VCF-style: chr16-81377309-T-G. GRCh37 (hg19) VCF-style: chr16-81410914-T-G.
Other names: c.954T>G, p.Val318= (NM_001377486.1).
Identifiers: ClinVar variation 533937 (VCV000533937.29), dbSNP rs141592516, ClinGen allele CA8191814.

ClinVar aggregate classification (germline): Likely benign. Review status: criteria provided, multiple submitters, no conflicts (2 of 4 stars). 3 submissions from 3 submitters: Likely benign (3). Last evaluated 2026-07-01.

Conditions:
Inborn genetic diseases. Identifiers: MedGen C0950123, MeSH D030342.
Giant axonal neuropathy 1 (GAN1). Also called: GIANT AXONAL NEUROPATHY 1, AUTOSOMAL RECESSIVE; GAN-Related Neurodegeneration. Identifiers: Orphanet 643, MedGen C1850386, MONDO:0009749, OMIM 256850.

Allele frequency attached by ClinVar (database versions not stated): TOPMed 0.00014; ESP Exome Variant Server 0.00015.
gnomAD v4.1: 372 of 1,599,968 alleles (0.023%); highest among the groups gnomAD compares: Non-Finnish European, 0.028%; no homozygotes.

Submissions (3):

CeGaT Center for Human Genetics Tuebingen
Classification: Likely benign. Last evaluated: 2026-07-01. Review status: criteria provided, single submitter. Criteria: CeGaT Center For Human Genetics Tuebingen Variant Classification Criteria Version 2. Collection method: clinical testing. Allele origin: germline. Affected: yes. Observed: 3 variant alleles.
Comment: GAN: BP4, BP7

Labcorp Genetics (formerly Invitae), Labcorp
Classification: Likely benign for Giant axonal neuropathy 1. Last evaluated: 2025-10-17. Review status: criteria provided, single submitter. Criteria: Invitae Variant Classification Sherloc (09022015). Collection method: clinical testing. Allele origin: germline.

Ambry Genetics
Classification: Likely benign for Inborn genetic diseases. Last evaluated: 2019-07-11. Review status: criteria provided, single submitter. Criteria: Ambry Variant Classification Scheme 2023. Collection method: clinical testing. Allele origin: germline.